The following is an entry in ClinVar:

NM_025009.5(CEP135):c.3315C>G (p.Tyr1105Ter)

Gene: CEP135 (centrosomal protein 135; plus strand). Cytogenetic location: 4q12.
Variant type: single nucleotide variant.
Coding change: c.3315C>G on transcript NM_025009.5 (MANE Select); coding-DNA position 3315, C replaced by G.
Protein change: p.Tyr1105Ter; replaces tyrosine 1105 with a stop codon.
Molecular consequence: nonsense.
Genome position (GRCh38, 1-based): chr4:56,020,775, C>G. VCF-style: chr4-56020775-C-G. GRCh37 (hg19) VCF-style: chr4-56886941-C-G.
Other names: short protein forms Y1105*.
Identifiers: ClinVar variation 1800580 (VCV001800580.2), dbSNP rs746579770, ClinGen allele CA356976293.

ClinVar aggregate classification (germline): Uncertain significance (1 of 4 stars; one submission).

gnomAD v4.1: 1 of 1,609,828 alleles (0.000062%); highest among the groups gnomAD compares: South Asian, 0.0011%; no homozygotes.

Submission:

GeneDx
Classification: Uncertain significance. Last evaluated: 2026-01-26. Review status: criteria provided, single submitter. Criteria: GeneDx Variant Classification Process June 2021. Collection method: clinical testing. Allele origin: germline.
Comment: Not observed at significant frequency in large population cohorts (gnomAD); Nonsense variant predicted to result in protein truncation as the last 36 amino acids are lost; Has not been previously published as pathogenic or benign to our knowledge